The following is an entry in ClinVar:

ClinVar aggregate classification (germline): Uncertain significance (1 of 4 stars; one submission).

Conditions:
Cardiovascular phenotype. Identifiers: MedGen CN230736.

Submission:

Ambry Genetics
Classification: Uncertain significance for Cardiovascular phenotype. Last evaluated: 2021-10-21. Review status: criteria provided, single submitter. Criteria: Ambry Variant Classification Scheme 2023. Collection method: clinical testing. Allele origin: germline.
Comment: The c.5137_5138delGTinsAA variant (also known as p.V1713N), located in coding exon 36 of the LAMA4 gene, results from an in-frame deletion of GT and insertion of AA at nucleotide positions 5137 to 5138. This results in the substitution of the valine residue for an asparagine residue at codon 1713, an amino acid with dissimilar properties. Based on data from gnomAD, the AA allele combination has an overall frequency of <0.001% (1/250992) total alleles studied. The highest observed frequency was 0.003% (1/34544) of Latino/Admixed American alleles. This amino acid position is highly conserved in available vertebrate species. In addition, the in silico prediction for this alteration is inconclusive (Choi Y et al. PLoS ONE. 2012; 7(10):e46688). Since supporting evidence is limited at this time, the clinical significance of this alteration remains unclear.

NM_001105206.3(LAMA4):c.5158_5159delinsAA (p.Val1720Asn)

Gene: LAMA4 (laminin subunit alpha 4; minus strand). Cytogenetic location: 6q21.
Variant type: Indel.
Coding change: c.5158_5159delinsAA on transcript NM_001105206.3 (MANE Select); coding-DNA positions 5158 to 5159, GT replaced by AA.
Protein change: p.Val1720Asn; replaces valine 1720 with asparagine.
Molecular consequence: missense variant.
Genome position (GRCh38, 1-based): chr6:112,114,710-112,114,711, AC replaced by TT on the plus strand (GT replaced by AA on the coding strand, the reverse complement: LAMA4 is on the minus strand). VCF-style: chr6-112114710-AC-TT. GRCh37 (hg19) VCF-style: chr6-112435913-AC-TT.
Other names: c.5137_5138delinsAA, p.Val1713Asn (NM_001105207.3, NM_002290.5); short protein forms V1713N, V1720N.
Identifiers: ClinVar variation 1745574 (VCV001745574.2), dbSNP rs2546965780, ClinGen allele CA2580074802.